The following is an entry in ClinVar:

NM_001458.5(FLNC):c.1301G>A (p.Ser434Asn)

Gene: FLNC (filamin C; plus strand). Cytogenetic location: 7q32.1.
Variant type: single nucleotide variant.
Coding change: c.1301G>A on transcript NM_001458.5 (MANE Select); coding-DNA position 1301, G replaced by A.
Protein change: p.Ser434Asn; replaces serine 434 with asparagine.
Molecular consequence: missense variant.
Genome position (GRCh38, 1-based): chr7:128,838,693, G>A. VCF-style: chr7-128838693-G-A. GRCh37 (hg19) VCF-style: chr7-128478747-G-A.
Other names: c.1301G>A, p.Ser434Asn (NM_001127487.2); short protein forms S434N.
Identifiers: ClinVar variation 954639 (VCV000954639.10), dbSNP rs1585154054, ClinGen allele CA369224691.

ClinVar aggregate classification (germline): Uncertain significance (1 of 4 stars; one submission).

Conditions:
Hypertrophic cardiomyopathy 26. Also called: Cardiomyopathy, familial hypertrophic, 26. Identifiers: Orphanet 75249, MedGen C4310749, MONDO:0014883, OMIM 617047.
Myofibrillar myopathy 5. Also called: FILAMINOPATHY, AUTOSOMAL DOMINANT; Filaminopathy (type). Identifiers: Orphanet 171445, MedGen C1836050, MONDO:0012289, OMIM 609524.
Distal myopathy with posterior leg and anterior hand involvement. Also called: WILLIAMS DISTAL MYOPATHY. Identifiers: Orphanet 63273, MedGen C3279722, MONDO:0013550, OMIM 614065.

Allele frequency attached by ClinVar (database versions not stated): gnomAD exomes below 0.00001.
gnomAD v4.1: 1 of 1,613,052 alleles (0.000062%); highest among the groups gnomAD compares: Non-Finnish European, 0.000085%; no homozygotes.

Submission:

Labcorp Genetics (formerly Invitae), Labcorp
Classification: Uncertain significance for Distal myopathy with posterior leg and anterior hand involvement; Myofibrillar myopathy 5; Hypertrophic cardiomyopathy 26. Last evaluated: 2022-08-15. Review status: criteria provided, single submitter. Criteria: Invitae Variant Classification Sherloc (09022015). Collection method: clinical testing. Allele origin: germline.
Comment: ClinVar contains an entry for this variant (Variation ID: 954639). In summary, the available evidence is currently insufficient to determine the role of this variant in disease. Therefore, it has been classified as a Variant of Uncertain Significance. Algorithms developed to predict the effect of missense changes on protein structure and function output the following: SIFT: "Tolerated"; PolyPhen-2: "Benign"; Align-GVGD: "Class C0". The asparagine amino acid residue is found in multiple mammalian species, which suggests that this missense change does not adversely affect protein function. This variant has not been reported in the literature in individuals affected with FLNC-related conditions. This variant is not present in population databases (gnomAD no frequency). This sequence change replaces serine, which is neutral and polar, with asparagine, which is neutral and polar, at codon 434 of the FLNC protein (p.Ser434Asn).